The following is an entry in ClinVar:

NM_004527.4(MEOX1):c.304C>T (p.Arg102Trp)

Gene: MEOX1 (mesenchyme homeobox 1; minus strand). Cytogenetic location: 17q21.31.
Variant type: single nucleotide variant.
Coding change: c.304C>T on transcript NM_004527.4 (MANE Select); coding-DNA position 304, C replaced by T.
Protein change: p.Arg102Trp; replaces arginine 102 with tryptophan.
Molecular consequence: missense variant. On other transcripts: 5 prime UTR variant (1).
Genome position (GRCh38, 1-based): chr17:43,661,231, G>A on the plus strand (C>T on the coding strand, the complement: MEOX1 is on the minus strand). VCF-style: chr17-43661231-G-A. GRCh37 (hg19) VCF-style: chr17-41738599-G-A.
Other names: c.-42C>T (NM_001040002.2); c.304C>T, p.Arg102Trp (NM_013999.4); c.304C>T (NM_004527.3); short protein forms R102W.
Identifiers: ClinVar variation 1421123 (VCV001421123.8), dbSNP rs752350119, ClinGen allele CA8592661.
Genomic context (GRCh38, chr17:43,661,231, plus strand): 5'-CCAGGCTGCTGGTCCCCATTTCCTTGGAACCCCCTGCCGGGCCTGAGTTGGGCCTGCGCC[G>A]GGCGTCTGAGACAGGGAAGTGCCAGTTGGGGGACTGTGGGAAAGCGGGGTGCTGCTCAGT-3'
Protein context (NP_004518.1, residues 92-112): PNWHFPVSDA[Arg102Trp]RRPNSGPAGG

ClinVar aggregate classification (germline): Uncertain significance. Review status: criteria provided, multiple submitters, no conflicts (2 of 4 stars). 2 submissions from 2 submitters: Uncertain significance (2). Last evaluated 2024-12-10.

Conditions:
Inborn genetic diseases. Identifiers: MedGen C0950123, MeSH D030342.

Allele frequency attached by ClinVar (database versions not stated): gnomAD exomes 0.00002 and 0.00003; TOPMed 0.00002; gnomAD 0.00003; ExAC 0.00004.

Submissions (2):

Ambry Genetics
Classification: Uncertain significance for Inborn genetic diseases. Last evaluated: 2024-12-10. Review status: criteria provided, single submitter. Criteria: Ambry Variant Classification Scheme 2023. Collection method: clinical testing. Allele origin: germline.

Labcorp Genetics (formerly Invitae), Labcorp
Classification: Uncertain significance. Last evaluated: 2022-06-05. Review status: criteria provided, single submitter. Criteria: Invitae Variant Classification Sherloc (09022015). Collection method: clinical testing. Allele origin: germline.
Comment: In summary, the available evidence is currently insufficient to determine the role of this variant in disease. Therefore, it has been classified as a Variant of Uncertain Significance. Algorithms developed to predict the effect of missense changes on protein structure and function are either unavailable or do not agree on the potential impact of this missense change (SIFT: "Deleterious"; PolyPhen-2: "Benign"; Align-GVGD: "Class C15"). ClinVar contains an entry for this variant (Variation ID: 1421123). This variant has not been reported in the literature in individuals affected with MEOX1-related conditions. This variant is present in population databases (rs752350119, gnomAD 0.01%). This sequence change replaces arginine, which is basic and polar, with tryptophan, which is neutral and slightly polar, at codon 102 of the MEOX1 protein (p.Arg102Trp).